The following is an entry in ClinVar:

NM_174936.4(PCSK9):c.968G>A (p.Cys323Tyr)

Gene: PCSK9 (proprotein convertase subtilisin/kexin type 9; plus strand). Cytogenetic location: 1p32.3.
Variant type: single nucleotide variant.
Coding change: c.968G>A on transcript NM_174936.4 (MANE Select); coding-DNA position 968, G replaced by A.
Protein change: p.Cys323Tyr; replaces cysteine 323 with tyrosine.
Molecular consequence: missense variant.
Genome position (GRCh38, 1-based): chr1:55,056,161, G>A. VCF-style: chr1-55056161-G-A. GRCh37 (hg19) VCF-style: chr1-55521834-G-A.
Other names: c.1091G>A, p.Cys364Tyr (NM_001407240.1); c.968G>A, p.Cys323Tyr (NM_001407241.1, NM_001407244.1, NM_001407247.1); c.971G>A, p.Cys324Tyr (NM_001407242.1); c.911G>A, p.Cys304Tyr (NM_001407243.1); c.776G>A, p.Cys259Tyr (NM_001407245.1); c.593G>A, p.Cys198Tyr (NM_001407246.1); short protein forms C323Y, C198Y, C259Y, C304Y, C364Y, C324Y.
Identifiers: ClinVar variation 925255 (VCV000925255.5), dbSNP rs1307302473, ClinGen allele CA340475173.

ClinVar aggregate classification (germline): Uncertain significance (1 of 4 stars; one submission).

Conditions:
Familial hypercholesterolemia. Also called: Familial hypercholesterolaemia. Identifiers: MedGen C0020445, MONDO:0005439.

Allele frequency attached by ClinVar (database versions not stated): TOPMed below 0.00001.

Submission:

Color Diagnostics, LLC DBA Color Health
Classification: Uncertain significance for Familial hypercholesterolemia. Last evaluated: 2024-03-06. Review status: criteria provided, single submitter. Criteria: ACMG Guidelines, 2015. Collection method: clinical testing. Allele origin: germline.
Comment: This missense variant replaces cysteine with tyrosine at codon 323 of the PCSK9 protein. Computational prediction suggests that this variant may have deleterious impact on protein structure and function (internally defined REVEL score threshold >= 0.7, PMID: 27666373). Splice site prediction tools suggest that this variant may not impact RNA splicing. To our knowledge, functional studies have not been performed for this variant. This variant has not been reported in individuals affected with familial hypercholesterolemia in the literature. This variant has not been identified in the general population by the Genome Aggregation Database (gnomAD). The available evidence is insufficient to determine the role of this variant in disease conclusively. Therefore, this variant is classified as a Variant of Uncertain Significance.